The following is an entry in ClinVar:

ClinVar aggregate classification (germline): Uncertain significance (1 of 4 stars; one submission).

Conditions:
Nemaline myopathy 5 (NEM5A). Also called: Nemaline myopathy 5, Amish type; NEMALINE MYOPATHY 5A, AUTOSOMAL RECESSIVE, SEVERE INFANTILE; NEMALINE MYOPATHY, AMISH TYPE. Identifiers: Orphanet 98902, MedGen C1854380, MONDO:0011539, OMIM 605355.

Allele frequency attached by ClinVar (database versions not stated): gnomAD exomes below 0.00001 and 0.00001; gnomAD 0.00001; TOPMed 0.00001.
gnomAD v4.1: 19 of 1,612,062 alleles (0.0012%); highest among the groups gnomAD compares: Non-Finnish European, 0.0016%; no homozygotes.

Submission:

Labcorp Genetics (formerly Invitae), Labcorp
Classification: Uncertain significance for Nemaline myopathy 5. Last evaluated: 2022-07-05. Review status: criteria provided, single submitter. Criteria: Invitae Variant Classification Sherloc (09022015). Collection method: clinical testing. Allele origin: germline.
Comment: In summary, the available evidence is currently insufficient to determine the role of this variant in disease. Therefore, it has been classified as a Variant of Uncertain Significance. Variants that disrupt the consensus splice site are a relatively common cause of aberrant splicing (PMID: 17576681, 9536098). Algorithms developed to predict the effect of sequence changes on RNA splicing suggest that this variant is not likely to affect RNA splicing. ClinVar contains an entry for this variant (Variation ID: 1015747). This variant has not been reported in the literature in individuals affected with TNNT1-related conditions. This variant is present in population databases (no rsID available, gnomAD 0.002%). This sequence change falls in intron 8 of the TNNT1 gene. It does not directly change the encoded amino acid sequence of the TNNT1 protein. It affects a nucleotide within the consensus splice site.

Literature cited by the submitters: PubMed 17576681; PubMed 9536098.

NM_003283.6(TNNT1):c.309+6C>T

Gene: TNNT1 (troponin T1, slow skeletal type; minus strand). Cytogenetic location: 19q13.42.
Variant type: single nucleotide variant.
Coding change: c.309+6C>T on transcript NM_003283.6 (MANE Select); 6 bases into the intron after coding-DNA position 309, C replaced by T.
Molecular consequence: intron variant.
Genome position (GRCh38, 1-based): chr19:55,141,180, G>A on the plus strand (C>T on the coding strand, the complement: TNNT1 is on the minus strand). VCF-style: chr19-55141180-G-A. GRCh37 (hg19) VCF-style: chr19-55652548-G-A.
Other names: c.276+6C>T (NM_001126133.3, NM_001291774.2); c.309+6C>T (NM_001126132.3).
Identifiers: ClinVar variation 1015747 (VCV001015747.8), dbSNP rs932070035, ClinGen allele CA310134991.